The following is an entry in ClinVar:

ClinVar aggregate classification (germline): Uncertain significance (1 of 4 stars; one submission).

Conditions:
Catecholaminergic polymorphic ventricular tachycardia 1. Also called: VENTRICULAR TACHYCARDIA, CATECHOLAMINERGIC POLYMORPHIC, 1, WITH OR WITHOUT ATRIAL DYSFUNCTION AND/OR DILATED CARDIOMYOPATHY; VENTRICULAR TACHYCARDIA, STRESS-INDUCED POLYMORPHIC 1; RYR2-Related Catecholaminergic Polymorphic Ventricular Tachycardia. Identifiers: Orphanet 3286, MedGen C1631597, MONDO:0011484, OMIM 604772.

Submission:

Labcorp Genetics (formerly Invitae), Labcorp
Classification: Uncertain significance for Catecholaminergic polymorphic ventricular tachycardia 1. Last evaluated: 2024-06-02. Review status: criteria provided, single submitter. Criteria: Invitae Variant Classification Sherloc (09022015). Collection method: clinical testing. Allele origin: germline.
Comment: This sequence change replaces leucine, which is neutral and non-polar, with valine, which is neutral and non-polar, at codon 2179 of the RYR2 protein (p.Leu2179Val). This variant is not present in population databases (gnomAD no frequency). This variant has not been reported in the literature in individuals affected with RYR2-related conditions. Advanced modeling of protein sequence and biophysical properties (such as structural, functional, and spatial information, amino acid conservation, physicochemical variation, residue mobility, and thermodynamic stability) performed at Invitae indicates that this missense variant is expected to disrupt RYR2 protein function with a positive predictive value of 95%. In summary, the available evidence is currently insufficient to determine the role of this variant in disease. Therefore, it has been classified as a Variant of Uncertain Significance.

NM_001035.3(RYR2):c.6535C>G (p.Leu2179Val)

Gene: RYR2 (ryanodine receptor 2; plus strand). Cytogenetic location: 1q43.
Variant type: single nucleotide variant.
Coding change: c.6535C>G on transcript NM_001035.3 (MANE Select); coding-DNA position 6535, C replaced by G.
Protein change: p.Leu2179Val; replaces leucine 2179 with valine.
Molecular consequence: missense variant.
Genome position (GRCh38, 1-based): chr1:237,631,521, C>G. VCF-style: chr1-237631521-C-G. GRCh37 (hg19) VCF-style: chr1-237794821-C-G.
Other names: short protein forms L2179V.
Identifiers: ClinVar variation 3675483 (VCV003675483.2).